The following is an entry in ClinVar:

NM_001083962.2(TCF4):c.656-3C>T

Gene: TCF4 (transcription factor 4; minus strand). Cytogenetic location: 18q21.2.
Variant type: single nucleotide variant.
Coding change: c.656-3C>T on transcript NM_001083962.2 (MANE Select); 3 bases into the intron before coding-DNA position 656, C replaced by T.
Molecular consequence: intron variant.
Genome position (GRCh38, 1-based): chr18:55,275,755, G>A on the plus strand (C>T on the coding strand, the complement: TCF4 is on the minus strand). VCF-style: chr18-55275755-G-A. GRCh37 (hg19) VCF-style: chr18-52942986-G-A.
Other names: c.962-3C>T (NM_001243226.3); c.581-3C>T (NM_001369584.1, NM_001369576.1, NM_001369585.1 and 3 more transcripts); c.584-3C>T (NM_001369577.1, NM_001369582.1, NM_001243227.2 and 9 more transcripts); c.656-3C>T (NM_001369571.1, NM_001369567.1, NM_001369572.1 and 4 more transcripts); c.674-3C>T (NM_001243228.2); c.650-3C>T (NM_001243230.2); c.653-3C>T (NM_001369569.1, NM_001369573.1, NM_001369570.1); c.530-3C>T (NM_001243231.2, NM_001348211.2); and 4 more.
Identifiers: ClinVar variation 160088 (VCV000160088.6), dbSNP rs587784467, ClinGen allele CA173651.

ClinVar aggregate classification (germline): Likely benign. Review status: criteria provided, multiple submitters, no conflicts (2 of 4 stars). 2 submissions from 2 submitters: Likely benign (2). Last evaluated 2017-05-04.

Allele frequency attached by ClinVar (database versions not stated): gnomAD exomes below 0.00001.
gnomAD v4.1: 4 of 1,613,730 alleles (0.00025%); highest among the groups gnomAD compares: South Asian, 0.0033%; no homozygotes.

Submissions (2):

GeneDx
Classification: Likely benign. Last evaluated: 2017-05-04. Review status: criteria provided, single submitter. Criteria: GeneDx Variant Classification (06012015). Collection method: clinical testing. Allele origin: germline. Affected: yes.
Comment: This variant is considered likely benign or benign based on one or more of the following criteria: it is a conservative change, it occurs at a poorly conserved position in the protein, it is predicted to be benign by multiple in silico algorithms, and/or has population frequency not consistent with disease.

Genetic Services Laboratory, University of Chicago
Classification: Likely benign. Last evaluated: 2013-10-14. Review status: criteria provided, single submitter. Criteria: ACMG Guidelines, 2007. Collection method: clinical testing. Allele origin: germline. Inheritance: Autosomal dominant inheritance.